The following is an entry in ClinVar:

NM_052844.4(DYNC2I2):c.1340G>A (p.Arg447Gln)

Gene: DYNC2I2 (dynein 2 intermediate chain 2; minus strand). Cytogenetic location: 9q34.11.
Variant type: single nucleotide variant.
Coding change: c.1340G>A on transcript NM_052844.4 (MANE Select); coding-DNA position 1340, G replaced by A.
Protein change: p.Arg447Gln; replaces arginine 447 with glutamine.
Molecular consequence: missense variant.
Genome position (GRCh38, 1-based): chr9:128,634,258, C>T on the plus strand (G>A on the coding strand, the complement: DYNC2I2 is on the minus strand). VCF-style: chr9-128634258-C-T. GRCh37 (hg19) VCF-style: chr9-131396537-C-T.
Other names: short protein forms R447Q.
Identifiers: ClinVar variation 97040 (VCV000097040.6), dbSNP rs587777094, ClinGen allele CA210601.
Genomic context (GRCh38, chr9:128,634,258, plus strand): 5'-AGATCCAGGCCTAGCGGCCCCTTCCTACCTTTCCCAGAGGCAGCTGCAAAAACCAAGGGC[C>T]GCACTGGGGACCAGCGCACAGCAAACAGATACTTGAGGGAGAGCTGCAGCGAAGTCAAGG-3'
Protein context (NP_443076.2, residues 437-457): YLFAVRWSPV[Arg447Gln]PLVFAAASGK

ClinVar aggregate classification (germline): Pathogenic. Review status: criteria provided, single submitter (1 of 4 stars). 2 submissions from 2 submitters: Pathogenic (1). 1 of the submissions does not count toward it. Last evaluated 2025-02-04.

Conditions:
Short-rib thoracic dysplasia 11 with or without polydactyly (SRTD11). Also called: SHORT-RIB THORACIC DYSPLASIA 11 WITHOUT POLYDACTYLY. Identifiers: Orphanet 474, Orphanet 93271, MedGen C3810200, MONDO:0014287, OMIM 615633.

Allele frequency attached by ClinVar (database versions not stated): TOPMed below 0.00001.
gnomAD v4.1: 8 of 1,613,866 alleles (0.0005%); highest among the groups gnomAD compares: Admixed American, 0.0017%; no homozygotes.

Submissions (2):

Labcorp Genetics (formerly Invitae), Labcorp
Classification: Pathogenic for Short-rib thoracic dysplasia 11 with or without polydactyly. Last evaluated: 2025-02-04. Review status: criteria provided, single submitter. Criteria: Invitae Variant Classification Sherloc (09022015). Collection method: clinical testing. Allele origin: germline.
Comment: This sequence change replaces arginine, which is basic and polar, with glutamine, which is neutral and polar, at codon 447 of the WDR34 protein (p.Arg447Gln). This variant is present in population databases (rs587777094, gnomAD 0.006%). This missense change has been observed in individual(s) with clinical features of asphyxiating thoracic dystrophy (PMID: 24183449; internal data). In at least one individual the data is consistent with being in trans (on the opposite chromosome) from a pathogenic variant. ClinVar contains an entry for this variant (Variation ID: 97040). An algorithm developed to predict the effect of missense changes on protein structure and function (PolyPhen-2) suggests that this variant is likely to be disruptive. Experimental studies have shown that this missense change affects WDR34 function (PMID: 36268591). This variant disrupts the p.Arg447 amino acid residue in WDR34. Other variant(s) that disrupt this residue have been determined to be pathogenic (PMID: 24183449, 24183451, 36653407). This suggests that this residue is clinically significant, and that variants that disrupt this residue are likely to be disease-causing. For these reasons, this variant has been classified as Pathogenic.

OMIM
Classification: Pathogenic for SHORT-RIB THORACIC DYSPLASIA 11 WITHOUT POLYDACTYLY. Last evaluated: 2013-11-07. Review status: no assertion criteria provided. Collection method: literature only. Allele origin: germline. Not counted in ClinVar's aggregate classification.

Literature cited by the submitters: PubMed 24183449 (cited by Labcorp Genetics (formerly Invitae), Labcorp and OMIM); PubMed 36268591 (cited by Labcorp Genetics (formerly Invitae), Labcorp); PubMed 24183451 (cited by Labcorp Genetics (formerly Invitae), Labcorp); PubMed 36653407 (cited by Labcorp Genetics (formerly Invitae), Labcorp).